The following is an entry in ClinVar:

ClinVar aggregate classification (germline): Benign (1 of 4 stars; one submission).

Allele frequency attached by ClinVar (database versions not stated): gnomAD exomes 0.00028; TOPMed 0.00030; gnomAD 0.00038; 1000 Genomes Project 30x 0.00094; 1000 Genomes Project 0.00100; ExAC 0.00128.
gnomAD v4.1: 366 of 1,205,570 alleles (0.03%); highest among the groups gnomAD compares: South Asian, 0.38%; 2 homozygotes.

Submission:

CeGaT Center for Human Genetics Tuebingen
Classification: Benign. Last evaluated: 2022-05-01. Review status: criteria provided, single submitter. Criteria: CeGaT Center For Human Genetics Tuebingen Variant Classification Criteria Version 2. Collection method: clinical testing. Allele origin: germline. Affected: yes. Observed: 1 variant allele.
Comment: BPTF: BS1, BS2

NM_182641.4(BPTF):c.5999-326C>T

Gene: BPTF (bromodomain PHD finger transcription factor; plus strand). Cytogenetic location: 17q24.2.
Variant type: single nucleotide variant.
Coding change: c.5999-326C>T on transcript NM_182641.4 (MANE Select); 326 bases into the intron before coding-DNA position 5999, C replaced by T.
Molecular consequence: intron variant.
Genome position (GRCh38, 1-based): chr17:67,929,010, C>T. VCF-style: chr17-67929010-C-T. GRCh37 (hg19) VCF-style: chr17-65925126-C-T.
Other names: c.6377-326C>T (NM_004459.7).
Identifiers: ClinVar variation 2648145 (VCV002648145.24), dbSNP rs547266766, ClinGen allele CA8726075.